The following is an entry in ClinVar:

ClinVar aggregate classification (germline): Uncertain significance. Review status: criteria provided, multiple submitters, no conflicts (2 of 4 stars). 3 submissions from 3 submitters: Uncertain significance (3). Last evaluated 2024-07-17.

Conditions:
Hereditary cancer-predisposing syndrome. Also called: Neoplastic Syndromes, Hereditary; Tumor predisposition; Hereditary neoplastic syndrome; Hereditary Cancer Syndrome. Identifiers: Orphanet 140162, MedGen C0027672, MeSH D009386, MONDO:0015356.
Classic or attenuated familial adenomatous polyposis. Identifiers: MedGen CN372698, MONDO:0021057.
Familial adenomatous polyposis 1 (FAP1). Also called: POLYPOSIS, ADENOMATOUS INTESTINAL; FAMILIAL ADENOMATOUS POLYPOSIS 1, ATTENUATED. Identifiers: MedGen C2713442, MONDO:0021056, OMIM 175100. Disease mechanism: loss of function.

gnomAD v4.1: 1 of 1,613,978 alleles (0.000062%); highest among the groups gnomAD compares: East Asian, 0.0022%; no homozygotes.

Submissions (3):

Ambry Genetics
Classification: Uncertain significance for Hereditary cancer-predisposing syndrome. Last evaluated: 2024-07-17. Review status: criteria provided, single submitter. Criteria: Ambry Variant Classification Scheme 2023. Collection method: clinical testing. Allele origin: germline.
Comment: The p.S1117F variant (also known as c.3350C>T), located in coding exon 15 of the APC gene, results from a C to T substitution at nucleotide position 3350. The serine at codon 1117 is replaced by phenylalanine, an amino acid with highly dissimilar properties. This amino acid position is well conserved in available vertebrate species. In addition, in silico predictors for this gene do not accurately predict pathogenicity. Missense alterations in APC are not a common cause of disease (Spier I et al. Genet Med. 2024 Feb;26(2):100992). Based on the available evidence, the clinical significance of this variant remains unclear.

All of Us Research Program, National Institutes of Health
Classification: Uncertain significance for Classic or attenuated familial adenomatous polyposis. Last evaluated: 2023-11-20. Review status: criteria provided, single submitter. Criteria: ACMG Guidelines, 2015. Collection method: clinical testing. Allele origin: germline. Inheritance: Autosomal dominant inheritance. Observed: 1 variant allele, 1 heterozygote.
Comment: This missense variant replaces serine with phenylalanine at codon 1117 of the APC protein. Computational prediction suggests that this variant may not impact protein structure and function (internally defined REVEL score threshold <= 0.5, PMID: 27666373). To our knowledge, functional studies have not been reported for this variant. This variant has not been reported in individuals affected with APC-related disorders in the literature. This variant has not been identified in the general population by the Genome Aggregation Database (gnomAD). The available evidence is insufficient to determine the role of this variant in disease conclusively. Therefore, this variant is classified as a Variant of Uncertain Significance.

This study involves interpretation of variants in research participants for the purpose of population health screening. Participant phenotype was not available at the time of variant classification. Additional details can be found in publication PMID: 35346344, PMCID: PMC8962531

Labcorp Genetics (formerly Invitae), Labcorp
Classification: Uncertain significance for Familial adenomatous polyposis 1. Last evaluated: 2023-06-14. Review status: criteria provided, single submitter. Criteria: Invitae Variant Classification Sherloc (09022015). Collection method: clinical testing. Allele origin: germline.
Comment: In summary, the available evidence is currently insufficient to determine the role of this variant in disease. Therefore, it has been classified as a Variant of Uncertain Significance. Advanced modeling of protein sequence and biophysical properties (such as structural, functional, and spatial information, amino acid conservation, physicochemical variation, residue mobility, and thermodynamic stability) performed at Invitae indicates that this missense variant is not expected to disrupt APC protein function. ClinVar contains an entry for this variant (Variation ID: 823647). This variant has not been reported in the literature in individuals affected with APC-related conditions. This variant is not present in population databases (gnomAD no frequency). This sequence change replaces serine, which is neutral and polar, with phenylalanine, which is neutral and non-polar, at codon 1117 of the APC protein (p.Ser1117Phe).

NM_000038.6(APC):c.3350C>T (p.Ser1117Phe)

Gene: APC (APC regulator of Wnt signaling pathway; plus strand). Cytogenetic location: 5q22.2.
Variant type: single nucleotide variant.
Coding change: c.3350C>T on transcript NM_000038.6 (MANE Select); coding-DNA position 3350, C replaced by T.
Protein change: p.Ser1117Phe; replaces serine 1117 with phenylalanine.
Molecular consequence: missense variant.
Genome position (GRCh38, 1-based): chr5:112,838,944, C>T. VCF-style: chr5-112838944-C-T. GRCh37 (hg19) VCF-style: chr5-112174641-C-T.
Other names: c.3350C>T, p.Ser1117Phe (NM_001127510.3, NM_001354895.2); c.3296C>T, p.Ser1099Phe (NM_001127511.3); c.3404C>T, p.Ser1135Phe (NM_001354896.2); c.3380C>T, p.Ser1127Phe (NM_001354897.2); c.3275C>T, p.Ser1092Phe (NM_001354898.2); c.3266C>T, p.Ser1089Phe (NM_001354899.2); c.3227C>T, p.Ser1076Phe (NM_001354900.2); c.3173C>T, p.Ser1058Phe (NM_001354901.2); and 5 more; short protein forms S1026F, S1089F, S1092F, S1127F, S1135F, S957F, S1016F, S1076F.
Identifiers: ClinVar variation 823647 (VCV000823647.12), dbSNP rs765071003, ClinGen allele CA16028674.